The following is an entry in ClinVar:

ClinVar aggregate classification (germline): Uncertain significance (1 of 4 stars; one submission).

Conditions:
D-2-hydroxyglutaric aciduria 1 (D2HGA1). Identifiers: Orphanet 79315, MedGen C3152055, MONDO:0024554, OMIM 600721.

Allele frequency attached by ClinVar (database versions not stated): gnomAD 0.00001; TOPMed 0.00001; gnomAD exomes 0.00002.
gnomAD v4.1: 24 of 1,603,970 alleles (0.0015%); highest among the groups gnomAD compares: African/African-American, 0.0027%; no homozygotes.

Submission:

Labcorp Genetics (formerly Invitae), Labcorp
Classification: Uncertain significance for D-2-hydroxyglutaric aciduria 1. Last evaluated: 2024-10-29. Review status: criteria provided, single submitter. Criteria: Invitae Variant Classification Sherloc (09022015). Collection method: clinical testing. Allele origin: germline.
Comment: This sequence change replaces proline, which is neutral and non-polar, with leucine, which is neutral and non-polar, at codon 424 of the D2HGDH protein (p.Pro424Leu). The frequency data for this variant in the population databases is considered unreliable, as metrics indicate poor data quality at this position in the gnomAD database. This variant has not been reported in the literature in individuals affected with D2HGDH-related conditions. ClinVar contains an entry for this variant (Variation ID: 2139589). Invitae Evidence Modeling of protein sequence and biophysical properties (such as structural, functional, and spatial information, amino acid conservation, physicochemical variation, residue mobility, and thermodynamic stability) indicates that this missense variant is not expected to disrupt D2HGDH protein function with a negative predictive value of 95%. In summary, the available evidence is currently insufficient to determine the role of this variant in disease. Therefore, it has been classified as a Variant of Uncertain Significance.

NM_152783.5(D2HGDH):c.1271C>T (p.Pro424Leu)

Gene: D2HGDH (D-2-hydroxyglutarate dehydrogenase; plus strand). Cytogenetic location: 2q37.3.
Variant type: single nucleotide variant.
Coding change: c.1271C>T on transcript NM_152783.5 (MANE Select); coding-DNA position 1271, C replaced by T.
Protein change: p.Pro424Leu; replaces proline 424 with leucine.
Molecular consequence: missense variant. On other transcripts: non-coding transcript variant (1).
Genome position (GRCh38, 1-based): chr2:241,755,979, C>T. VCF-style: chr2-241755979-C-T. GRCh37 (hg19) VCF-style: chr2-242695394-C-T.
Other names: c.869C>T, p.Pro290Leu (NM_001287249.2); c.710C>T, p.Pro237Leu (NM_001352824.2); short protein forms P424L, P237L, P290L.
Identifiers: ClinVar variation 2139589 (VCV002139589.4), dbSNP rs1472114573, ClinGen allele CA351412358.
Genomic context (GRCh38, chr2:241,755,979, plus strand): 5'-TCTCCCTCCCTGTGGAGCGGCTCTACGACATCGTGACTGACCTGCGCGCCCGCCTCGGCC[C>T]GCACGCCAAGCACGTGGTGGGCTATGGCCACCTTGGTGAGCGGCGCCCCGGGGCCGCGGC-3'
Protein context (NP_689996.4, residues 414-434): IVTDLRARLG[Pro424Leu]HAKHVVGYGH